The following is an entry in ClinVar:

ClinVar aggregate classification (germline): Benign (1 of 4 stars; one submission).

Conditions:
Papillary renal cell carcinoma type 1 (RCCP1). Also called: Renal adenocarcinoma; Renal cell carcinoma 1; Renal cell carcinoma, somatic; RENAL CELL CARCINOMA, PAPILLARY, 1, SOMATIC. Identifiers: Orphanet 47044, MedGen C1336839, OMIM 605074, HP:0011797.

Submission:

Myriad Genetics, Inc.
Classification: Benign for Papillary renal cell carcinoma type 1. Last evaluated: 2024-11-11. Review status: criteria provided, single submitter. Criteria: Myriad Autosomal Dominant, Autosomal Recessive and X-Linked Classification Criteria (2023). Collection method: clinical testing. Allele origin: unknown.
Comment: This variant is considered benign. This variant is a silent/synonymous amino acid change and it is not expected to impact splicing.

NM_000245.4(MET):c.2301G>A (p.Leu767=)

Gene: MET (MET proto-oncogene, receptor tyrosine kinase; plus strand). Cytogenetic location: 7q31.2.
Variant type: single nucleotide variant.
Coding change: c.2301G>A on transcript NM_000245.4 (MANE Select); coding-DNA position 2301, G replaced by A.
Protein change: p.Leu767=; no amino-acid change (leucine 767 retained).
Molecular consequence: synonymous variant.
Genome position (GRCh38, 1-based): chr7:116,759,427, G>A. VCF-style: chr7-116759427-G-A. GRCh37 (hg19) VCF-style: chr7-116399481-G-A.
Other names: c.2355G>A, p.Leu785= (NM_001127500.3); c.2301G>A, p.Leu767= (NM_001324401.3); c.1011G>A, p.Leu337= (NM_001324402.2).
Identifiers: ClinVar variation 3773116 (VCV003773116.1).